The following is an entry in ClinVar:

NM_016341.4(PLCE1):c.3555-47A>T

Gene: PLCE1 (phospholipase C epsilon 1; plus strand). Cytogenetic location: 10q23.33.
Variant type: single nucleotide variant.
Coding change: c.3555-47A>T on transcript NM_016341.4 (MANE Select); 47 bases into the intron before coding-DNA position 3555, A replaced by T.
Molecular consequence: intron variant.
Genome position (GRCh38, 1-based): chr10:94,258,753, A>T. VCF-style: chr10-94258753-A-T. GRCh37 (hg19) VCF-style: chr10-96018510-A-T.
Other names: c.3507-47A>T (NM_001288989.2); c.2631-47A>T (NM_001165979.2).
Identifiers: ClinVar variation 1224652 (VCV001224652.6), dbSNP rs4918182, ClinGen allele CA5612909.
Genomic context (GRCh38, chr10:94,258,753, plus strand): 5'-CTTGCACTCATCCTTTTGCTCATATTGCTAATTGGAGCAAGTCTGGTGGGACAGAATCAC[A>T]ACAGTGGCCTGCCCTTGTGCCCATGAAGGCCTTGTCTTTGTTGCAGTGCTTGGAGCAGTA-3'

ClinVar aggregate classification (germline): Benign. Review status: criteria provided, multiple submitters, no conflicts (2 of 4 stars). 3 submissions from 3 submitters: Benign (3). Last evaluated 2024-07-15.

Allele frequency attached by ClinVar (database versions not stated): ESP Exome Variant Server 0.26894; gnomAD 0.27166 and 0.27358; TOPMed 0.27233; 1000 Genomes Project 0.27756; 1000 Genomes Project 30x 0.27967; ExAC 0.28953; gnomAD exomes 0.29042 and 0.29659.
gnomAD v4.1: 474,845 of 1,612,110 alleles (29%); highest among the groups gnomAD compares: Middle Eastern, 34%; 70,672 homozygotes.

Submissions (3):

Unidad de Genómica Garrahan, Hospital de Pediatría Garrahan
Classification: Benign. Last evaluated: 2024-07-15. Review status: criteria provided, single submitter. Criteria: ACMG Guidelines, 2015. Collection method: clinical testing. Allele origin: germline. Affected: no. Observed: 38 variant alleles.
Comment: This variant is classified as Benign based on local population frequency. This variant was detected in 41% of patients studied in a panel designed for Epileptic and Developmental Encephalopathy and Progressive Myoclonus Epilepsy. Number of patients: 38. Only high quality variants are reported.

GeneDx
Classification: Benign. Last evaluated: 2019-08-20. Review status: criteria provided, single submitter. Criteria: GeneDx Variant Classification Process June 2021. Collection method: clinical testing. Allele origin: germline. Affected: yes.

Breakthrough Genomics
Classification: Benign. Review status: criteria provided, single submitter. Criteria: ACMG Guidelines, 2015. Collection method: not provided. Allele origin: germline. Inheritance: Autosomal recessive inheritance. Affected: yes.